The following is an entry in ClinVar:

NM_000051.4(ATM):c.6469G>T (p.Glu2157Ter)

Genes: ATM (ATM serine/threonine kinase; plus strand), C11orf65 (chromosome 11 open reading frame 65; minus strand). Cytogenetic location: 11q22.3.
Variant type: single nucleotide variant.
Coding change: c.6469G>T on transcript NM_000051.4 (MANE Select); coding-DNA position 6469, G replaced by T.
Protein change: p.Glu2157Ter; replaces glutamic acid 2157 with a stop codon.
Molecular consequence: nonsense. On other transcripts: intron variant (2).
Genome position (GRCh38, 1-based): chr11:108,321,317, G>T. VCF-style: chr11-108321317-G-T. GRCh37 (hg19) VCF-style: chr11-108192044-G-T.
Other names: c.6469G>T, p.Glu2157Ter (NM_001351834.2); c.641-12246C>A (NM_001330368.2); c.*39-12246C>A (NM_001351110.2); short protein forms E2157*.
Identifiers: ClinVar variation 3723911 (VCV003723911.2).

ClinVar aggregate classification (germline): Pathogenic (1 of 4 stars; one submission).

Conditions:
Ataxia-telangiectasia syndrome (AT). Also called: Ataxia-telangiectasia, complementation group D; AT, COMPLEMENTATION GROUP C; ATAXIA-TELANGIECTASIA, COMPLEMENTATION GROUP A; ATAXIA-TELANGIECTASIA, FRESNO VARIANT; Ataxia-telangiectasia; Ataxia-telangiectasia, complementation group E. Identifiers: Orphanet 100, MedGen C0004135, MONDO:0008840, OMIM 208900.

Submission:

Labcorp Genetics (formerly Invitae), Labcorp
Classification: Pathogenic for Ataxia-telangiectasia syndrome. Last evaluated: 2024-10-28. Review status: criteria provided, single submitter. Criteria: Invitae Variant Classification Sherloc (09022015). Collection method: clinical testing. Allele origin: germline.
Comment: This sequence change creates a premature translational stop signal (p.Glu2157*) in the ATM gene. It is expected to result in an absent or disrupted protein product. Loss-of-function variants in ATM are known to be pathogenic (PMID: 23807571, 25614872). This variant is not present in population databases (gnomAD no frequency). This variant has not been reported in the literature in individuals affected with ATM-related conditions. Algorithms developed to predict the effect of sequence changes on RNA splicing suggest that this variant may disrupt the consensus splice site. For these reasons, this variant has been classified as Pathogenic.

Literature cited by the submitters: PubMed 23807571; PubMed 25614872.